The following is an entry in ClinVar:

ClinVar aggregate classification (germline): Uncertain significance (1 of 4 stars; one submission).

gnomAD v4.1: 4 of 1,603,954 alleles (0.00025%); highest among the groups gnomAD compares: Non-Finnish European, 0.00034%; no homozygotes.

Submission:

CeGaT Center for Human Genetics Tuebingen
Classification: Uncertain significance. Last evaluated: 2023-10-01. Review status: criteria provided, single submitter. Criteria: CeGaT Center For Human Genetics Tuebingen Variant Classification Criteria Version 2. Collection method: clinical testing. Allele origin: germline. Affected: yes. Observed: 1 variant allele.
Comment: MN1: PM2

NM_002430.3(MN1):c.1424G>A (p.Gly475Asp)

Gene: MN1 (MN1 proto-oncogene, transcriptional regulator; minus strand). Cytogenetic location: 22q12.1.
Variant type: single nucleotide variant.
Coding change: c.1424G>A on transcript NM_002430.3 (MANE Select); coding-DNA position 1424, G replaced by A.
Protein change: p.Gly475Asp; replaces glycine 475 with aspartic acid.
Molecular consequence: missense variant.
Genome position (GRCh38, 1-based): chr22:27,799,120, C>T on the plus strand (G>A on the coding strand, the complement: MN1 is on the minus strand). VCF-style: chr22-27799120-C-T. GRCh37 (hg19) VCF-style: chr22-28195108-C-T.
Other names: short protein forms G475D.
Identifiers: ClinVar variation 2653029 (VCV002653029.24), dbSNP rs2517772779, ClinGen allele CA411048348.